The following is an entry in ClinVar:

NM_000458.4(HNF1B):c.809+1G>T

Genes: HNF1B (HNF1 homeobox B; minus strand), LOC126862549 (BRD4-independent group 4 enhancer GRCh37_chr17:36093401-36094600; plus strand). Cytogenetic location: 17q12.
Variant type: single nucleotide variant.
Coding change: c.809+1G>T on transcript NM_000458.4 (MANE Select); the canonical splice donor site of the intron after coding-DNA position 809, G replaced by T.
Molecular consequence: splice donor variant.
Genome position (GRCh38, 1-based): chr17:37,733,556, C>A on the plus strand (G>T on the coding strand, the complement: HNF1B is on the minus strand). VCF-style: chr17-37733556-C-A. GRCh37 (hg19) VCF-style: chr17-36093549-C-A.
Other names: c.731+1G>T (NM_001304286.2, NM_001165923.4); c.809+1G>T (NM_001411100.1).
Identifiers: ClinVar variation 280497 (VCV000280497.5), dbSNP rs1555830002, ClinGen allele CA10603296.

ClinVar aggregate classification (germline): Pathogenic. Review status: criteria provided, multiple submitters, no conflicts (2 of 4 stars). 4 submissions from 4 submitters: Pathogenic (4). Last evaluated 2020-06-16.

Conditions:
Renal cysts and diabetes syndrome (RCAD). Also called: MATURITY-ONSET DIABETES OF THE YOUNG, TYPE 5; Familial hypoplastic, glomerulocystic kidney. Identifiers: Orphanet 93111, MedGen C0431693, MONDO:0007669, OMIM 137920.

Submissions (4):

Genetics and Molecular Pathology, SA Pathology
Classification: Pathogenic for Renal cysts and diabetes syndrome. Last evaluated: 2020-06-16. Review status: criteria provided, single submitter. Criteria: ACMG Guidelines, 2015. Collection method: clinical testing. Allele origin: germline. Inheritance: Autosomal dominant inheritance. Affected: yes.
Comment: PM2, PVS1, PP5

Institute of Human Genetics, FAU Erlangen, Friedrich-Alexander-Universität Erlangen-Nürnberg
Classification: Pathogenic for Renal cysts and diabetes syndrome. Last evaluated: 2019-07-06. Review status: criteria provided, single submitter. Criteria: ACMG Guidelines, 2015. Collection method: literature only. Allele origin: germline. Affected: yes.
Comment: This variant and it's classification has been reported by Vasileiou et al. 2019; DOI:10.1101/576918. The variants has previously been reported in ClinVar:280497 as "NM_000458.3(HNF1B):c.809+1G>T" with clinical significance Pathogenic. It has been re-classified using InterVar and manual curation as Pathogenic based on PVS1 PM2 PP3.

Athena Diagnostics
Classification: Pathogenic. Last evaluated: 2017-10-19. Review status: criteria provided, single submitter. Criteria: Athena Diagnostics Criteria. Collection method: clinical testing. Allele origin: germline.

GeneDx
Classification: Pathogenic. Last evaluated: 2016-04-11. Review status: criteria provided, single submitter. Criteria: GeneDx Variant Classification (06012015). Collection method: clinical testing. Allele origin: germline. Affected: yes.
Comment: The c.809+1G>T pathogenic variant in the HNF1B gene has not been reported previously as a pathogenic variant nor as a benign variant, to our knowledge. This splice site variant destroys the canonical splice donor site in intron 3. It is predicted to cause abnormal gene splicing, either leading to an abnormal message that is subject to nonsense-mediated mRNA decay, or to an abnormal protein product if the message is used for protein translation. The c.809+1G>T variant was not observed in approximately 6500 individuals of European and African American ancestry in the NHLBI Exome Sequencing Project, indicating it is not a common benign variant in these populations. We interpret c.809+1G>T as a pathogenic variant.

Literature cited by the submitters: DOI 10.1101/576918 (cited by Institute of Human Genetics, FAU Erlangen, Friedrich-Alexander-Universität Erlangen-Nürnberg).